The following is an entry in ClinVar:

NM_005159.5(ACTC1):c.733C>T (p.Pro245Ser)

Genes: GJD2-DT (GJD2 divergent transcript; plus strand), ACTC1 (actin alpha cardiac muscle 1; minus strand). Cytogenetic location: 15q14.
Variant type: single nucleotide variant.
Coding change: c.733C>T on transcript NM_005159.5 (MANE Select); coding-DNA position 733, C replaced by T.
Protein change: p.Pro245Ser; replaces proline 245 with serine.
Molecular consequence: missense variant.
Genome position (GRCh38, 1-based): chr15:34,792,165, G>A on the plus strand (C>T on the coding strand, the complement: ACTC1 is on the minus strand). VCF-style: chr15-34792165-G-A. GRCh37 (hg19) VCF-style: chr15-35084366-G-A.
Other names: c.733C>T, p.Pro245Ser (NM_001406482.1, NM_001406483.1); c.598C>T, p.Pro200Ser (NM_001406484.1); c.292C>T, p.Pro98Ser (NM_001406485.1); short protein forms P200S, P245S, P98S.
Identifiers: ClinVar variation 2935885 (VCV002935885.3), dbSNP rs1891718375, ClinGen allele CA391630045.

ClinVar aggregate classification (germline): Uncertain significance (1 of 4 stars; one submission).

Conditions:
Hypertrophic cardiomyopathy 11. Also called: ACTC1-Related Familial Hypertrophic Cardiomyopathy. Identifiers: MedGen C2677506, MONDO:0012799, OMIM 612098.
Dilated cardiomyopathy 1R (CMD1R). Identifiers: Orphanet 154, Orphanet 54260, MedGen C3150681, MONDO:0013261, OMIM 613424.
Atrial septal defect 5 (ASD5). Identifiers: Orphanet 1478, MedGen C2748552, MONDO:0013011, OMIM 612794.

Allele frequency attached by ClinVar (database versions not stated): TOPMed below 0.00001; gnomAD 0.00001.
gnomAD v4.1: 1 of 1,614,114 alleles (0.000062%); highest among the groups gnomAD compares: Non-Finnish European, 0.000085%; no homozygotes.

Submission:

Labcorp Genetics (formerly Invitae), Labcorp
Classification: Uncertain significance for Dilated cardiomyopathy 1R; Hypertrophic cardiomyopathy 11; Atrial septal defect 5. Last evaluated: 2025-11-25. Review status: criteria provided, single submitter. Criteria: Invitae Variant Classification Sherloc (09022015). Collection method: clinical testing. Allele origin: germline.
Comment: This sequence change replaces proline, which is neutral and non-polar, with serine, which is neutral and polar, at codon 245 of the ACTC1 protein (p.Pro245Ser). This variant is not present in population databases (gnomAD no frequency). This variant has not been reported in the literature in individuals affected with ACTC1-related conditions. ClinVar contains an entry for this variant (Variation ID: 2935885). Invitae Evidence Modeling of protein sequence and biophysical properties (such as structural, functional, and spatial information, amino acid conservation, physicochemical variation, residue mobility, and thermodynamic stability) indicates that this missense variant is not expected to disrupt ACTC1 protein function with a negative predictive value of 80%. In summary, the available evidence is currently insufficient to determine the role of this variant in disease. Therefore, it has been classified as a Variant of Uncertain Significance.